The following is an entry in ClinVar:

NM_000944.5(PPP3CA):c.1376A>G (p.Lys459Arg)

Gene: PPP3CA (protein phosphatase 3 catalytic subunit alpha; minus strand). Cytogenetic location: 4q24.
Variant type: single nucleotide variant.
Coding change: c.1376A>G on transcript NM_000944.5 (MANE Select); coding-DNA position 1376, A replaced by G.
Protein change: p.Lys459Arg; replaces lysine 459 with arginine.
Molecular consequence: missense variant.
Genome position (GRCh38, 1-based): chr4:101,026,055, T>C on the plus strand (A>G on the coding strand, the complement: PPP3CA is on the minus strand). VCF-style: chr4-101026055-T-C. GRCh37 (hg19) VCF-style: chr4-101947212-T-C.
Other names: c.1346A>G, p.Lys449Arg (NM_001130691.2); c.1220A>G, p.Lys407Arg (NM_001130692.2); short protein forms K407R, K459R, K449R.
Identifiers: ClinVar variation 4763053 (VCV004763053.1).

ClinVar aggregate classification (germline): Uncertain significance (1 of 4 stars; one submission).

gnomAD v4.1: 1 of 1,589,222 alleles (0.000063%); highest among the groups gnomAD compares: Non-Finnish European, 0.000086%; no homozygotes.

Submission:

Labcorp Genetics (formerly Invitae), Labcorp
Classification: Uncertain significance. Last evaluated: 2026-01-18. Review status: criteria provided, single submitter. Criteria: Invitae Variant Classification Sherloc (09022015). Collection method: clinical testing. Allele origin: germline.
Comment: This sequence change replaces lysine, which is basic and polar, with arginine, which is basic and polar, at codon 459 of the PPP3CA protein (p.Lys459Arg). This variant is not present in population databases (gnomAD no frequency). This variant has not been reported in the literature in individuals affected with PPP3CA-related conditions. An algorithm developed to predict the effect of missense changes on protein structure and function (PolyPhen-2) suggests that this variant is likely to be tolerated. In summary, the available evidence is currently insufficient to determine the role of this variant in disease. Therefore, it has been classified as a Variant of Uncertain Significance.